The following is an entry in ClinVar:

NM_016373.4(WWOX):c.*15G>A

Genes: MAF (MAF bZIP transcription factor; minus strand), WWOX (WW domain containing oxidoreductase; plus strand). Cytogenetic location: 16q23.2.
Variant type: single nucleotide variant.
Coding change: c.*15G>A on transcript NM_016373.4 (MANE Select); 15 bases downstream of the stop codon, G replaced by A.
Molecular consequence: 3 prime UTR variant.
Genome position (GRCh38, 1-based): chr16:79,211,811, G>A. VCF-style: chr16-79211811-G-A. GRCh37 (hg19) VCF-style: chr16-79245708-G-A.
Other names: c.*15G>A (NM_001291997.2).
Identifiers: ClinVar variation 382921 (VCV000382921.1), dbSNP rs533890923, ClinGen allele CA8183820.

ClinVar aggregate classification (germline): Likely benign (1 of 4 stars; one submission).

Allele frequency attached by ClinVar (database versions not stated): TOPMed 0.00019; 1000 Genomes Project 30x 0.00031; 1000 Genomes Project 0.00040.
gnomAD v4.1: 91 of 1,613,898 alleles (0.0056%); highest among the groups gnomAD compares: African/African-American, 0.047%; 1 homozygote.

Submission:

GeneDx
Classification: Likely benign. Last evaluated: 2016-08-23. Review status: criteria provided, single submitter. Criteria: GeneDx Variant Classification (06012015). Collection method: clinical testing. Allele origin: germline. Affected: yes.
Comment: This variant is considered likely benign or benign based on one or more of the following criteria: it is a conservative change, it occurs at a poorly conserved position in the protein, it is predicted to be benign by multiple in silico algorithms, and/or has population frequency not consistent with disease.